The following is an entry in ClinVar:

NM_000059.4(BRCA2):c.6030C>T (p.Val2010=)

Gene: BRCA2 (BRCA2 DNA repair associated; plus strand). Cytogenetic location: 13q13.1.
Variant type: single nucleotide variant.
Coding change: c.6030C>T on transcript NM_000059.4 (MANE Select); coding-DNA position 6030, C replaced by T.
Protein change: p.Val2010=; no amino-acid change (valine 2010 retained).
Molecular consequence: synonymous variant.
Genome position (GRCh38, 1-based): chr13:32,340,385, C>T. VCF-style: chr13-32340385-C-T. GRCh37 (hg19) VCF-style: chr13-32914522-C-T.
Identifiers: ClinVar variation 184197 (VCV000184197.28), dbSNP rs786201328, ClinGen allele CA023550.

ClinVar aggregate classification (germline): Likely benign. Review status: reviewed by expert panel (3 of 4 stars). 9 submissions from 9 submitters: Likely benign (1). 8 of the submissions do not count toward it. Last evaluated 2017-06-29.

Conditions:
Hereditary cancer-predisposing syndrome. Also called: Neoplastic Syndromes, Hereditary; Hereditary neoplastic syndrome; Hereditary Cancer Syndrome; Tumor predisposition. Identifiers: Orphanet 140162, MedGen C0027672, MeSH D009386, MONDO:0015356.
Hereditary breast ovarian cancer syndrome. Also called: Hereditary breast and ovarian cancer syndrome; BRCA1- and BRCA2-Associated Hereditary Breast and Ovarian Cancer; Hereditary breast and/or ovarian cancer syndrome; Hereditary breast and ovarian cancer syndrome (HBOC); Breast and ovarian cancer; Hereditary breast and ovarian cancer. Identifiers: Orphanet 145, MedGen C0677776, MeSH D061325, MONDO:0003582. Disease mechanism: loss of function.
Breast-ovarian cancer, familial, susceptibility to, 2 (BROVCA2). Also called: BRCA2 Hereditary Breast and Ovarian Cancer. Identifiers: Orphanet 145, MedGen C2675520, MONDO:0012933, OMIM 612555. Disease mechanism: loss of function.

Allele frequency attached by ClinVar (database versions not stated): TOPMed 0.00001; gnomAD 0.00001.
gnomAD v4.1: 2 of 1,613,728 alleles (0.00012%); highest among the groups gnomAD compares: Non-Finnish European, 0.000085%; no homozygotes.

Submissions (9):

Evidence-based Network for the Interpretation of Germline Mutant Alleles (ENIGMA)
Classification: Likely benign for Breast-ovarian cancer, familial, susceptibility to, 2. Last evaluated: 2017-06-29. Review status: reviewed by expert panel. Criteria: ENIGMA BRCA1/2 Classification Criteria (2017-06-29). Collection method: curation. Allele origin: germline.
Comment: Synonymous substitution variant, with low bioinformatic likelihood to result in a splicing aberration (Splicing prior probability 0.02).

Institute for Biomarker Research, Medical Diagnostic Laboratories, L.L.C.
Classification: Likely benign for Hereditary breast ovarian cancer syndrome. Last evaluated: 2026-02-02. Review status: criteria provided, single submitter. Criteria: ACMG Guidelines, 2015. Collection method: clinical testing. Allele origin: germline. Not counted in ClinVar's aggregate classification.
Comment: The synonymous variant NM_000059.4(BRCA2):c.6030C>T (p.Val2010=) has been reported to ClinVar as Likely benign with a status of (3 stars) reviewed by expert panel (Accession: VCV000184197.26). The p.Val2010= variant is novel (not in any individuals) in 1kG. The p.Val2010= variant is not predicted to disrupt an existing splice site. The p.Val2010= variant results in a substitution of a base that is not predicted conserved by GERP++ and PhyloP. For these reasons, this variant has been classified as Likely Benign.

Labcorp Genetics (formerly Invitae), Labcorp
Classification: Likely benign for Hereditary breast ovarian cancer syndrome. Last evaluated: 2025-12-22. Review status: criteria provided, single submitter. Criteria: Invitae Variant Classification Sherloc (09022015). Collection method: clinical testing. Allele origin: germline. Not counted in ClinVar's aggregate classification.

Women's Health and Genetics/Laboratory Corporation of America, LabCorp
Classification: Likely benign. Last evaluated: 2025-03-04. Review status: criteria provided, single submitter. Criteria: LabCorp Variant Classification Summary - May 2015. Collection method: clinical testing. Allele origin: germline. Not counted in ClinVar's aggregate classification.

All of Us Research Program, National Institutes of Health
Classification: Likely benign for Breast-ovarian cancer, familial, susceptibility to, 2. Last evaluated: 2023-04-03. Review status: criteria provided, single submitter. Criteria: ACMG Guidelines, 2015. Collection method: clinical testing. Allele origin: germline. Inheritance: Autosomal dominant inheritance. Observed: 1 variant allele, 1 heterozygote. Not counted in ClinVar's aggregate classification.
Comment: This study involves interpretation of variants in research participants for the purpose of population health screening. Participant phenotype was not available at the time of variant classification. Additional details can be found in publication PMID: 35346344, PMCID: PMC8962531

GeneDx
Classification: Likely benign. Last evaluated: 2019-12-12. Review status: criteria provided, single submitter. Criteria: GeneDx Variant Classification Process June 2021. Collection method: clinical testing. Allele origin: germline. Affected: yes. Not counted in ClinVar's aggregate classification.

Quest Diagnostics Nichols Institute San Juan Capistrano
Classification: Likely benign. Last evaluated: 2018-10-27. Review status: criteria provided, single submitter. Criteria: Quest Diagnostics criteria. Collection method: clinical testing. Allele origin: germline. Not counted in ClinVar's aggregate classification.

Color Diagnostics, LLC DBA Color Health
Classification: Likely benign for Hereditary cancer-predisposing syndrome. Last evaluated: 2017-10-02. Review status: criteria provided, single submitter. Criteria: ACMG Guidelines, 2015. Collection method: clinical testing. Allele origin: germline. Not counted in ClinVar's aggregate classification.

Ambry Genetics
Classification: Likely benign for Hereditary cancer-predisposing syndrome. Last evaluated: 2015-02-05. Review status: criteria provided, single submitter. Criteria: Ambry Variant Classification Scheme 2023. Collection method: clinical testing. Allele origin: germline. Not counted in ClinVar's aggregate classification.